The following is an entry in ClinVar:

NM_033305.3(VPS13A):c.1208_1211del (p.Gln403fs)

Gene: VPS13A (vacuolar protein sorting 13 homolog A; plus strand). Cytogenetic location: 9q21.2.
Variant type: Microsatellite.
Coding change: c.1208_1211del on transcript NM_033305.3 (MANE Select); coding-DNA positions 1208 to 1211, 4 bases deleted (AGAC; older notation c.1208_1211delAGAC).
Protein change: p.Gln403fs; shifts the reading frame from glutamine 403.
Molecular consequence: frameshift variant.
Genome position (GRCh38, 1-based): chr9:77,225,972-77,225,975, AGAC deleted; deleting any 4 consecutive bases within chr9:77,225,968-77,225,975 gives the same sequence; the c. name uses the placement nearest the transcript's 3' end. VCF-style (leftmost placement, unchanged base first): chr9-77225967-TAGAC-T. GRCh37 (hg19) VCF-style: chr9-79840883-TAGAC-T.
Other names: c.1208_1211del, p.Gln403fs (NM_001018037.2, NM_001018038.3, NM_015186.4); short protein forms Q403fs.
Identifiers: ClinVar variation 5011594 (VCV005011594.1).

ClinVar aggregate classification (germline): Pathogenic (1 of 4 stars; one submission).

Conditions:
VPS13A-related neurodegenerative disease. Also called: ACANTHOCYTOSIS WITH NEUROLOGIC DISORDER; LEVINE-CRITCHLEY SYNDROME; Choreoacanthocytosis; Chorea-acanthocytosis; Choreaacanthocytosis; VPS13A Disease. Identifiers: Orphanet 2388, MedGen C0393576, MONDO:0008695, OMIM 200150.

Submission:

Myriad Genetics, Inc.
Classification: Pathogenic for VPS13A-related neurodegenerative disease. Last evaluated: 2024-05-14. Review status: criteria provided, single submitter. Criteria: Myriad Autosomal Dominant, Autosomal Recessive and X-Linked Classification Criteria (2023). Collection method: clinical testing. Allele origin: unknown.
Comment: NM_033305.2(VPS13A):c.1208_1211delAGAC(Q403Rfs*6) is expected to be pathogenic in the context of VPS13A disease. This variant is predicted to lead to an abnormal or absent protein product due to the creation of a premature termination codon in VPS13A, a gene where loss-of-function variants are known to be pathogenic. Please note: this variant was assessed in the context of healthy population screening.